The following is an entry in ClinVar:

ClinVar aggregate classification (germline): Benign/Likely benign. Review status: criteria provided, multiple submitters, no conflicts (2 of 4 stars). 6 submissions from 6 submitters: Benign (4); Likely benign (1). 1 of the submissions does not count toward it. Last evaluated 2025-06-19.

Conditions:
ZEB2-related disorder. Also called: ZEB2-related condition.
Mowat-Wilson syndrome (MOWS). Also called: Classic Mowat-Wilson Syndrome. Identifiers: Orphanet 2152, MedGen C1856113, MONDO:0009341, OMIM 235730.

Allele frequency attached by ClinVar (database versions not stated): gnomAD below 0.00001 and 0.00009; gnomAD exomes 0.00056; ExAC 0.00068; 1000 Genomes Project 0.00140; 1000 Genomes Project 30x 0.00156.
gnomAD v4.1: 385 of 1,614,124 alleles (0.024%); highest among the groups gnomAD compares: South Asian, 0.41%; 6 homozygotes.

Submissions (6):

Labcorp Genetics (formerly Invitae), Labcorp
Classification: Benign for Mowat-Wilson syndrome. Last evaluated: 2025-06-19. Review status: criteria provided, single submitter. Criteria: Invitae Variant Classification Sherloc (09022015). Collection method: clinical testing. Allele origin: germline.

CeGaT Center for Human Genetics Tuebingen
Classification: Benign. Last evaluated: 2025-04-01. Review status: criteria provided, single submitter. Criteria: CeGaT Center For Human Genetics Tuebingen Variant Classification Criteria Version 2. Collection method: clinical testing. Allele origin: germline. Affected: yes. Observed: 1 variant allele.
Comment: ZEB2: PP2, BS1, BS2

Blueprint Genetics
Classification: Likely benign. Last evaluated: 2024-10-03. Review status: criteria provided, single submitter. Criteria: ACMG Guidelines, 2015. Collection method: clinical testing. Allele origin: germline.

Genome-Nilou Lab
Classification: Benign for Mowat-Wilson syndrome. Last evaluated: 2021-11-07. Review status: criteria provided, single submitter. Criteria: ACMG Guidelines, 2015. Collection method: clinical testing. Allele origin: germline. Affected: no.

GeneDx
Classification: Benign. Last evaluated: 2020-04-13. Review status: criteria provided, single submitter. Criteria: GeneDx Variant Classification Process June 2021. Collection method: clinical testing. Allele origin: germline. Affected: yes.

PreventionGenetics, part of Exact Sciences
Classification: Benign for ZEB2-related condition. Last evaluated: 2021-02-11. Review status: no assertion criteria provided. Collection method: clinical testing. Allele origin: germline. Not counted in ClinVar's aggregate classification.
Comment: This variant is classified as benign based on ACMG/AMP sequence variant interpretation guidelines (Richards et al. 2015 PMID: 25741868, with internal and published modifications).

NM_014795.4(ZEB2):c.2538T>A (p.His846Gln)

Gene: ZEB2 (zinc finger E-box binding homeobox 2; minus strand). Cytogenetic location: 2q22.3.
Variant type: single nucleotide variant.
Coding change: c.2538T>A on transcript NM_014795.4 (MANE Select); coding-DNA position 2538, T replaced by A.
Protein change: p.His846Gln; replaces histidine 846 with glutamine.
Molecular consequence: missense variant.
Genome position (GRCh38, 1-based): chr2:144,398,649, A>T on the plus strand (T>A on the coding strand, the complement: ZEB2 is on the minus strand). VCF-style: chr2-144398649-A-T. GRCh37 (hg19) VCF-style: chr2-145156216-A-T.
Other names: c.2466T>A, p.His822Gln (NM_001171653.2); short protein forms H822Q, H846Q.
Identifiers: ClinVar variation 696826 (VCV000696826.22), dbSNP rs557767273, ClinGen allele CA1898236.